The following is an entry in ClinVar:

ClinVar aggregate classification (germline): Uncertain significance (1 of 4 stars; one submission).

Conditions:
Hereditary nonpolyposis colorectal neoplasms. Identifiers: MedGen C0009405, MeSH D003123.

Allele frequency attached by ClinVar (database versions not stated): gnomAD exomes below 0.00001.
gnomAD v4.1: 1 of 1,614,160 alleles (0.000062%); highest among the groups gnomAD compares: Non-Finnish European, 0.000085%; no homozygotes.

Submission:

Labcorp Genetics (formerly Invitae), Labcorp
Classification: Uncertain significance for Hereditary nonpolyposis colorectal neoplasms. Last evaluated: 2023-08-04. Review status: criteria provided, single submitter. Criteria: Invitae Variant Classification Sherloc (09022015). Collection method: clinical testing. Allele origin: germline.
Comment: This variant has not been reported in the literature in individuals affected with MSH6-related conditions. In summary, the available evidence is currently insufficient to determine the role of this variant in disease. Therefore, it has been classified as a Variant of Uncertain Significance. Advanced modeling of protein sequence and biophysical properties (such as structural, functional, and spatial information, amino acid conservation, physicochemical variation, residue mobility, and thermodynamic stability) performed at Invitae indicates that this missense variant is not expected to disrupt MSH6 protein function. This variant is not present in population databases (gnomAD no frequency). This sequence change replaces lysine, which is basic and polar, with glutamic acid, which is acidic and polar, at codon 270 of the MSH6 protein (p.Lys270Glu).

NM_000179.3(MSH6):c.808A>G (p.Lys270Glu)

Gene: MSH6 (mutS homolog 6; plus strand). Cytogenetic location: 2p16.3.
Variant type: single nucleotide variant.
Coding change: c.808A>G on transcript NM_000179.3 (MANE Select); coding-DNA position 808, A replaced by G.
Protein change: p.Lys270Glu; replaces lysine 270 with glutamic acid.
Molecular consequence: missense variant. On other transcripts: 5 prime UTR variant (9), non-coding transcript variant (4), intron variant (1).
Genome position (GRCh38, 1-based): chr2:47,798,791, A>G. VCF-style: chr2-47798791-A-G. GRCh37 (hg19) VCF-style: chr2-48025930-A-G.
Other names: c.511A>G, p.Lys171Glu (NM_001406819.1, NM_001406820.1, NM_001406821.1 and 10 more transcripts); c.-99A>G (NM_001406823.1, NM_001406829.1, NM_001281493.2 and 6 more transcripts); c.640A>G, p.Lys214Glu (NM_001406826.1); c.418A>G, p.Lys140Glu (NM_001281492.2); c.904A>G, p.Lys302Glu (NM_001406795.1, NM_001406802.1); c.808A>G, p.Lys270Glu (NM_001406796.1, NM_001406798.1, NM_001406800.1 and 4 more transcripts); c.283A>G, p.Lys95Glu (NM_001406799.1, NM_001406806.1, NM_001406807.1); c.730A>G, p.Lys244Glu (NM_001406804.1); and 2 more; short protein forms K140E, K244E, K270E, K95E, K272E, K171E, K302E, K214E.
Identifiers: ClinVar variation 2864362 (VCV002864362.3), dbSNP rs1669257647, ClinGen allele CA346740365.